The following is an entry in ClinVar:

NM_000051.4(ATM):c.3372C>G (p.Tyr1124Ter)

Gene: ATM (ATM serine/threonine kinase; plus strand). Cytogenetic location: 11q22.3.
Variant type: single nucleotide variant.
Coding change: c.3372C>G on transcript NM_000051.4 (MANE Select); coding-DNA position 3372, C replaced by G.
Protein change: p.Tyr1124Ter; replaces tyrosine 1124 with a stop codon.
Molecular consequence: nonsense.
Genome position (GRCh38, 1-based): chr11:108,279,578, C>G. VCF-style: chr11-108279578-C-G. GRCh37 (hg19) VCF-style: chr11-108150305-C-G.
Other names: p.Y1124*:TAC>TAG; c.3372C>G, p.Tyr1124Ter (NM_001351834.2); c.3372C>G (NM_000051.2); short protein forms Y1124*.
Identifiers: ClinVar variation 127371 (VCV000127371.40), dbSNP rs587779833, ClinGen allele CA274336.

ClinVar aggregate classification (germline): Pathogenic. Review status: criteria provided, multiple submitters, no conflicts (2 of 4 stars). 12 submissions from 12 submitters: Pathogenic (11). 1 of the submissions does not count toward it. Last evaluated 2026-01-27.

Conditions:
Breast and/or ovarian cancer. Identifiers: MedGen CN221562.
Familial cancer of breast. Also called: BREAST CANCER, FAMILIAL; Hereditary breast cancer; hereditary breast carcinoma. Identifiers: Orphanet 227535, MedGen C0346153, MONDO:0016419, OMIM 114480. Disease mechanism: loss of function.
Ataxia-telangiectasia syndrome (AT). Also called: LOUIS-BAR SYNDROME; Cerebello-oculocutaneous telangiectasia; Immunodeficiency with ataxia telangiectasia; ATAXIA-TELANGIECTASIA, COMPLEMENTATION GROUP A; ATAXIA-TELANGIECTASIA, FRESNO VARIANT; Ataxia-telangiectasia. Identifiers: Orphanet 100, MedGen C0004135, MONDO:0008840, OMIM 208900.
Hereditary cancer-predisposing syndrome. Also called: Tumor predisposition; Hereditary Cancer Syndrome; Neoplastic Syndromes, Hereditary; Hereditary neoplastic syndrome. Identifiers: Orphanet 140162, MedGen C0027672, MeSH D009386, MONDO:0015356.

Allele frequency attached by ClinVar (database versions not stated): gnomAD exomes below 0.00001; TOPMed below 0.00001; gnomAD 0.00001.
gnomAD v4.1: 4 of 1,612,656 alleles (0.00025%); highest among the groups gnomAD compares: Non-Finnish European, 0.00034%; no homozygotes.

Submissions (12):

Labcorp Genetics (formerly Invitae), Labcorp
Classification: Pathogenic for Ataxia-telangiectasia syndrome. Last evaluated: 2026-01-27. Review status: criteria provided, single submitter. Criteria: Invitae Variant Classification Sherloc (09022015). Collection method: clinical testing. Allele origin: germline.
Comment: This sequence change creates a premature translational stop signal (p.Tyr1124*) in the ATM gene. It is expected to result in an absent or disrupted protein product. Loss-of-function variants in ATM are known to be pathogenic (PMID: 23807571, 25614872). This variant is present in population databases (rs587779833, gnomAD 0.0009%). This premature translational stop signal has been observed in individual(s) with ataxia-telangiectasia and breast and lung cancer (PMID: 10330348, 10817650, 26681312). ClinVar contains an entry for this variant (Variation ID: 127371). For these reasons, this variant has been classified as Pathogenic.

Natera, Inc.
Classification: Pathogenic for Ataxia-telangiectasia. Last evaluated: 2025-09-22. Review status: criteria provided, single submitter. Criteria: Natera Variant Classification Schema (03/2026). Collection method: clinical testing. Allele origin: germline.
Comment: The c.3372C>G variant in ATM is a nonsense variant predicted to introduce a stop codon at amino acid 1124. This variant is expected to result in nonsense mediated decay, truncation, or a dysfunctional protein product. This variant is rare in the general population with a frequency below the threshold expected for the associated phenotype(s). This variant has been observed in one or more individuals affected with the associated recessive disease, as either homozygous or compound heterozygous with a second variant (PMID: 30639167). Given the available evidence, this variant is classified as Pathogenic.

Color Diagnostics, LLC DBA Color Health
Classification: Pathogenic for Hereditary cancer-predisposing syndrome. Last evaluated: 2024-12-11. Review status: criteria provided, single submitter. Criteria: ACMG Guidelines, 2015. Collection method: clinical testing. Allele origin: germline.
Comment: This variant changes 1 nucleotide in exon 23 of the ATM gene, creating a premature translation stop signal. This variant is expected to result in an absent or non-functional protein product. This variant has been reported in the homozygous and heterozygous state in individuals affected with ataxia telangiectasia (PMID: 10330348, 10817650). This variant has also been reported in an individual affected with breast and lung cancer (PMID: 26681312). This variant has been identified in 1/250920 chromosomes in the general population by the Genome Aggregation Database (gnomAD). Loss of ATM function is a known mechanism of disease. Based on the available evidence, this variant is classified as Pathogenic.

Ambry Genetics
Classification: Pathogenic for Hereditary cancer-predisposing syndrome. Last evaluated: 2024-09-10. Review status: criteria provided, single submitter. Criteria: Ambry Variant Classification Scheme 2023. Collection method: clinical testing. Allele origin: germline.
Comment: The p.Y1124* pathogenic mutation (also known as c.3372C>G), located in coding exon 22 of the ATM gene, results from a C to G substitution at nucleotide position 3372. This changes the amino acid from a tyrosine to a stop codon within coding exon 22. This alteration has been reported as both heterozygous and homozygous in individuals diagnosed with ataxia-telangiectasia (Teraoka SN et al. Am. J. Hum. Genet. 1999 Jun;64:1617-31; Li A and Swift M. Am. J. Med. Genet. 2000 May;92:170-7; Minto H et al. Clin Immunol, 2019 03;200:55-63). Additionally, this alteration was identified in individuals diagnosed with breast and prostate cancer (Susswein LR et al. Genet Med, 2016 08;18:823-32; Lovejoy LA et al. Genes (Basel), 2020 12;11:; Matejcic M et al. JCO Precis Oncol, 2020 Jan;4:32-43). This variant is considered to be rare based on population cohorts in the Genome Aggregation Database (gnomAD). In addition to the clinical data presented in the literature, this alteration is expected to result in loss of function by premature protein truncation or nonsense-mediated mRNA decay. As such, this alteration is interpreted as a disease-causing mutation.

Fulgent Genetics
Classification: Pathogenic for Familial cancer of breast; Ataxia-telangiectasia syndrome. Last evaluated: 2024-05-23. Review status: criteria provided, single submitter. Criteria: ACMG Guidelines, 2015. Collection method: clinical testing. Allele origin: germline.

Baylor Genetics
Classification: Pathogenic for Familial cancer of breast. Last evaluated: 2024-03-18. Review status: criteria provided, single submitter. Criteria: ACMG Guidelines, 2015. Collection method: clinical testing. Allele origin: unknown.

Quest Diagnostics Nichols Institute San Juan Capistrano
Classification: Pathogenic. Last evaluated: 2024-02-13. Review status: criteria provided, single submitter. Criteria: Quest Diagnostics criteria. Collection method: clinical testing. Allele origin: unknown.
Comment: The ATM c.3372C>G (p.Tyr1124*) variant causes the premature termination of ATM protein synthesis. This variant has been reported in the published literature in individuals with breast cancer (PMIDs: 33302456 (2020), 26681312 (2015)). Additionally, this variant has been identified in the homozygous and compound heterozygous state in individuals with ataxia-telangiectasia (PMIDs: 10817650 (2000), 30639167 (2019), 10330348 (1999)). The frequency of this variant in the general population, 0.000004 (1/250920 chromosomes (Genome Aggregation Database)), is consistent with pathogenicity. Based on the available information, this variant is classified as pathogenic.

Myriad Genetics, Inc.
Classification: Pathogenic for Familial cancer of breast. Last evaluated: 2024-01-22. Review status: criteria provided, single submitter. Criteria: Myriad Autosomal Dominant, Autosomal Recessive and X-Linked Classification Criteria (2023). Collection method: clinical testing. Allele origin: unknown.
Comment: This variant is considered pathogenic. This variant creates a termination codon and is predicted to result in premature protein truncation.

CHEO Genetics Diagnostic Laboratory, Children's Hospital of Eastern Ontario
Classification: Pathogenic for Breast and/or ovarian cancer. Last evaluated: 2022-10-14. Review status: criteria provided, single submitter. Criteria: ACMG Guidelines, 2015. Collection method: clinical testing. Allele origin: germline.

GeneDx
Classification: Pathogenic. Last evaluated: 2021-12-15. Review status: criteria provided, single submitter. Criteria: GeneDx Variant Classification Process June 2021. Collection method: clinical testing. Allele origin: germline. Affected: yes.
Comment: Nonsense variant predicted to result in protein truncation or nonsense mediated decay in a gene for which loss-of-function is a known mechanism of disease; Observed with a pathogenic variant on the opposite allele (in trans) and in apparent homozygous state in individuals with ataxia-telangiectasia in published literature (Li 2000, Minto 2019); Observed in individuals with breast cancer, prostate cancer, ovarian cancer, and medulloblastoma (Lilyquist 2017, Waszak 2018, Matejcic 2020, Palmer 2020); Not observed at a significant frequency in large population cohorts (Lek 2016); This variant is associated with the following publications: (PMID: 10330348, 28888541, 32427313, 10817650, 32832836, 25525159, 26681312, 24113346, 28152038, 29753700, 30639167)

Women's Health and Genetics/Laboratory Corporation of America, LabCorp
Classification: Pathogenic for Ataxia-telangiectasia syndrome. Last evaluated: 2017-10-31. Review status: criteria provided, single submitter. Criteria: LabCorp Variant Classification Summary - May 2015. Collection method: clinical testing. Allele origin: germline.
Comment: Variant summary: The ATM c.3372C>G (p.Tyr1124X) variant results in a premature termination codon, predicted to cause a truncated or absent ATM protein due to nonsense mediated decay, which are commonly known mechanisms for disease. This variant was found in 1/245674 control chromosomes (gnomAD) at a frequency of 0.0000041, which does not exceed the estimated maximal expected allele frequency of a pathogenic ATM variant (0.0010005). Multiple publications have cited the variant in affected individuals diagnosed with breast cancer or Ataxia-Telangiectasia. In addition, multiple clinical diagnostic laboratories/reputable databases classified this variant as pathogenic. Taken together, this variant is classified as pathogenic.

Counsyl
Classification: Likely pathogenic for Ataxia-telangiectasia syndrome. Last evaluated: 2014-11-19. Review status: no assertion criteria provided. Collection method: literature only. Allele origin: unknown. Inheritance: Autosomal recessive inheritance. Not counted in ClinVar's aggregate classification.

Literature cited by the submitters: PubMed 23807571 (cited by Labcorp Genetics (formerly Invitae), Labcorp); PubMed 25614872 (cited by Labcorp Genetics (formerly Invitae), Labcorp); PubMed 10330348 (cited by 6 submitters); PubMed 10817650 (cited by 6 submitters); PubMed 26681312 (cited by 5 submitters); PubMed 30639167 (cited by 3 submitters); PubMed 32832836 (cited by Ambry Genetics); PubMed 33302456 (cited by Ambry Genetics and Quest Diagnostics Nichols Institute San Juan Capistrano); PubMed 28152038 (cited by Women's Health and Genetics/Laboratory Corporation of America, LabCorp).